The following is an entry in ClinVar:

NM_001458.5(FLNC):c.5202G>A (p.Ala1734=)

Gene: FLNC (filamin C; plus strand). Cytogenetic location: 7q32.1.
Variant type: single nucleotide variant.
Coding change: c.5202G>A on transcript NM_001458.5 (MANE Select); coding-DNA position 5202, G replaced by A.
Protein change: p.Ala1734=; no amino-acid change (alanine 1734 retained).
Molecular consequence: synonymous variant. On other transcripts: intron variant (1).
Genome position (GRCh38, 1-based): chr7:128,849,978, G>A. VCF-style: chr7-128849978-G-A. GRCh37 (hg19) VCF-style: chr7-128490032-G-A.
Other names: c.5199+400G>A (NM_001127487.2).
Identifiers: ClinVar variation 472091 (VCV000472091.46), dbSNP rs757233206, ClinGen allele CA4475607.

ClinVar aggregate classification (germline): Benign/Likely benign. Review status: criteria provided, multiple submitters, no conflicts (2 of 4 stars). 6 submissions from 6 submitters: Benign (1); Likely benign (5). Last evaluated 2026-05-04.

Conditions:
Cardiovascular phenotype. Identifiers: MedGen CN230736.
Hypertrophic cardiomyopathy 26. Also called: Cardiomyopathy, familial hypertrophic, 26. Identifiers: Orphanet 75249, MedGen C4310749, MONDO:0014883, OMIM 617047.
Myofibrillar myopathy 5. Also called: Filaminopathy (type); FILAMINOPATHY, AUTOSOMAL DOMINANT. Identifiers: Orphanet 171445, MedGen C1836050, MONDO:0012289, OMIM 609524.
Distal myopathy with posterior leg and anterior hand involvement. Also called: WILLIAMS DISTAL MYOPATHY. Identifiers: Orphanet 63273, MedGen C3279722, MONDO:0013550, OMIM 614065.

Allele frequency attached by ClinVar (database versions not stated): gnomAD 0.00001; ExAC 0.00002; TOPMed 0.00002.
gnomAD v4.1: 26 of 1,587,450 alleles (0.0016%); highest among the groups gnomAD compares: Middle Eastern, 0.033%; no homozygotes.

Submissions (6):

Women's Health and Genetics/Laboratory Corporation of America, LabCorp
Classification: Benign. Last evaluated: 2026-05-04. Review status: criteria provided, single submitter. Criteria: LabCorp Variant Classification Summary - May 2015. Collection method: clinical testing. Allele origin: germline.
Comment: Variant summary: FLNC c.5202G>A (p.Ala1734Ala) alters a conserved nucleotide located close to a canonical splice site and therefore could affect mRNA splicing, leading to a significantly altered protein sequence. The variant allele was found at a frequency of 1.6e-05 in 1587450 control chromosomes. The observed variant frequency exceeds the estimated maximal expected allele frequency for disease-causing variants in FLNC. To our knowledge, no occurrence of c.5202G>A in individuals affected with FLNC-related conditions and no experimental evidence demonstrating its impact on protein function have been reported. ClinVar contains an entry for this variant (Variation ID: 472091). Based on the evidence outlined above, the variant was classified as benign.

Labcorp Genetics (formerly Invitae), Labcorp
Classification: Likely benign for Distal myopathy with posterior leg and anterior hand involvement; Myofibrillar myopathy 5; Hypertrophic cardiomyopathy 26. Last evaluated: 2025-12-14. Review status: criteria provided, single submitter. Criteria: Invitae Variant Classification Sherloc (09022015). Collection method: clinical testing. Allele origin: germline.

Molecular Diagnostic Laboratory for Inherited Cardiovascular Disease, Montreal Heart Institute
Classification: Likely benign. Last evaluated: 2025-04-09. Review status: criteria provided, single submitter. Criteria: ACMG Guidelines, 2015. Collection method: clinical testing. Allele origin: germline. Affected: no.

Blueprint Genetics
Classification: Likely benign. Last evaluated: 2023-08-24. Review status: criteria provided, single submitter. Criteria: ACMG Guidelines, 2015. Collection method: clinical testing. Allele origin: germline.

CeGaT Center for Human Genetics Tuebingen
Classification: Likely benign. Last evaluated: 2023-05-01. Review status: criteria provided, single submitter. Criteria: CeGaT Center For Human Genetics Tuebingen Variant Classification Criteria Version 2. Collection method: clinical testing. Allele origin: germline. Affected: yes. Observed: 2 variant alleles.
Comment: FLNC: BP4, BP7

Ambry Genetics
Classification: Likely benign for Cardiovascular phenotype. Last evaluated: 2020-08-14. Review status: criteria provided, single submitter. Criteria: Ambry Variant Classification Scheme 2023. Collection method: clinical testing. Allele origin: germline.